The following is an entry in ClinVar:

NM_000868.4(HTR2C):c.*2A>G

Genes: HTR2C (5-hydroxytryptamine receptor 2C; plus strand), LOC126863306 (MED14-independent group 3 enhancer GRCh37_chrX:114140926-114142125; plus strand). Cytogenetic location: Xq23.
Variant type: single nucleotide variant.
Coding change: c.*2A>G on transcript NM_000868.4 (MANE Select); 2 bases downstream of the stop codon, A replaced by G.
Molecular consequence: 3 prime UTR variant.
Genome position (GRCh38, 1-based): chrX:114,907,417, A>G. VCF-style: chrX-114907417-A-G. GRCh37 (hg19) VCF-style: chrX-114141980-A-G.
Other names: c.*2A>G (NM_001256760.3); c.*537A>G (NM_001256761.3).
Identifiers: ClinVar variation 3034296 (VCV003034296.2), dbSNP rs200841726, ClinGen allele CA10495582.

ClinVar aggregate classification (germline): Likely benign (0 of 4 stars; one submission).

Conditions:
HTR2C-related disorder. Also called: HTR2C-related condition.

Allele frequency attached by ClinVar (database versions not stated): ExAC 0.00001; gnomAD 0.00002; TOPMed 0.00002; gnomAD exomes 0.00004.
gnomAD v4.1: 43 of 1,160,774 alleles (0.0037%); highest among the groups gnomAD compares: Admixed American, 0.033%; no homozygotes.

Submission:

PreventionGenetics, part of Exact Sciences
Classification: Likely benign for HTR2C-related condition. Last evaluated: 2022-06-14. Review status: no assertion criteria provided. Collection method: clinical testing. Allele origin: germline.
Comment: This variant is classified as likely benign based on ACMG/AMP sequence variant interpretation guidelines (Richards et al. 2015 PMID: 25741868, with internal and published modifications).